The following is an entry in ClinVar:

NM_005475.3(SH2B3):c.1406C>T (p.Pro469Leu)

Gene: SH2B3 (SH2B adaptor protein 3; plus strand). Cytogenetic location: 12q24.12.
Variant type: single nucleotide variant.
Coding change: c.1406C>T on transcript NM_005475.3 (MANE Select); coding-DNA position 1406, C replaced by T.
Protein change: p.Pro469Leu; replaces proline 469 with leucine.
Molecular consequence: missense variant.
Genome position (GRCh38, 1-based): chr12:111,447,825, C>T. VCF-style: chr12-111447825-C-T. GRCh37 (hg19) VCF-style: chr12-111885629-C-T.
Other names: c.800C>T, p.Pro267Leu (NM_001291424.1); short protein forms P267L, P469L.
Identifiers: ClinVar variation 3795092 (VCV003795092.1).

ClinVar aggregate classification (germline): Uncertain significance (1 of 4 stars; one submission).

Conditions:
Inborn genetic diseases. Identifiers: MedGen C0950123, MeSH D030342.

gnomAD v4.1: 5 of 1,613,194 alleles (0.00031%); highest among the groups gnomAD compares: Admixed American, 0.005%; no homozygotes.

Submission:

Ambry Genetics
Classification: Uncertain significance for Inborn genetic diseases. Last evaluated: 2025-01-09. Review status: criteria provided, single submitter. Criteria: Ambry Variant Classification Scheme 2023. Collection method: clinical testing. Allele origin: germline.
Comment: The p.P469L variant (also known as c.1406C>T), located in coding exon 6 of the SH2B3 gene, results from a C to T substitution at nucleotide position 1406. The proline at codon 469 is replaced by leucine, an amino acid with similar properties. This amino acid position is conserved. In addition, this alteration is predicted to be tolerated by in silico analysis. Based on the available evidence, the clinical significance of this variant remains unclear.